The following is an entry in ClinVar:

NM_001161352.2(KCNMA1):c.761C>T (p.Thr254Met)

Gene: KCNMA1 (potassium calcium-activated channel subfamily M alpha 1; minus strand). Cytogenetic location: 10q22.3.
Variant type: single nucleotide variant.
Coding change: c.761C>T on transcript NM_001161352.2 (MANE Select); coding-DNA position 761, C replaced by T.
Protein change: p.Thr254Met; replaces threonine 254 with methionine.
Molecular consequence: missense variant.
Genome position (GRCh38, 1-based): chr10:77,183,468, G>A on the plus strand (C>T on the coding strand, the complement: KCNMA1 is on the minus strand). VCF-style: chr10-77183468-G-A. GRCh37 (hg19) VCF-style: chr10-78943226-G-A.
Other names: c.761C>T, p.Thr254Met (NM_001014797.3, NM_001161353.2, NM_001271519.2 and 8 more transcripts); c.599C>T, p.Thr200Met (NM_001271518.2); c.221C>T, p.Thr74Met (NM_001322838.2); c.761C>T (NM_002247.3); short protein forms T74M, T254M, T200M.
Identifiers: ClinVar variation 2043626 (VCV002043626.7), dbSNP rs2551802329, ClinGen allele CA377410360.

ClinVar aggregate classification (germline): Uncertain significance. Review status: criteria provided, multiple submitters, no conflicts (2 of 4 stars). 4 submissions from 4 submitters: Uncertain significance (4). Last evaluated 2025-11-24.

Conditions:
Generalized epilepsy-paroxysmal dyskinesia syndrome (PNKD3). Also called: Generalized epilepsy and paroxysmal dyskinesia; Paroxysmal nonkinesigenic dyskinesia, 3, with or without generalized epilepsy. Identifiers: Orphanet 79137, MedGen C5574945, MONDO:0012276, OMIM 609446.
Liang-Wang syndrome. Identifiers: Orphanet 664438, MedGen C5231479, MONDO:0032886, OMIM 618729.
Inborn genetic diseases. Identifiers: MedGen C0950123, MeSH D030342.

Allele frequency attached by ClinVar (database versions not stated): gnomAD exomes below 0.00001.
gnomAD v4.1: 2 of 1,613,892 alleles (0.00012%); highest among the groups gnomAD compares: Non-Finnish European, 0.00017%; no homozygotes.

Submissions (4):

Victorian Clinical Genetics Services, Murdoch Childrens Research Institute
Classification: Uncertain significance for Liang-Wang syndrome. Last evaluated: 2025-11-24. Review status: criteria provided, single submitter. Criteria: ACMG Guidelines, 2015. Collection method: clinical testing. Allele origin: germline. Affected: yes.
Comment: This variant is classified as VUS-3A. Evidence in support of pathogenic classification: Variant is present in gnomAD <0.01(v4: 2 heterozygote(s), 0 homozygote(s)); Missense variant in a region that is highly intolerant to missense variation (high constraint region in DECIPHER); Additional information: Variant is predicted to result in a missense amino acid change from Thr to Met; This variant is heterozygous; This gene is associated with both recessive and dominant disease (OMIM); Previous evidence of pathogenicity for this variant is inconclusive. This variant has been classified as a VUS by clinical laboratories in ClinVar; No published evidence of segregation with disease has been identified for this variant; No published functional evidence has been identified for this variant; No comparable missense variants have previous evidence for pathogenicity; Missense variant with inconclusive in silico prediction and/or uninformative conservation; Loss of function and gain of function are known mechanisms of disease in this gene and are associated with cerebellar atrophy, developmental delay, and seizures (MIM#617643), and paroxysmal nonkinesigenic dyskinesia, 3 with or without generalized epilepsy (MIM#609446), respectively (PMIDs: 31152168; 29330545). Additionally, missense variants causing Liang-Wang syndrome (MIM#618729) have been functionally proven to have a loss of function effect; however, a dominant negative mechanism has been speculated (PMID: 31152168).

Ambry Genetics
Classification: Uncertain significance for Inborn genetic diseases. Last evaluated: 2025-05-16. Review status: criteria provided, single submitter. Criteria: Ambry Variant Classification Scheme 2023. Collection method: clinical testing. Allele origin: germline.

Labcorp Genetics (formerly Invitae), Labcorp
Classification: Uncertain significance for Generalized epilepsy-paroxysmal dyskinesia syndrome. Last evaluated: 2024-08-06. Review status: criteria provided, single submitter. Criteria: Invitae Variant Classification Sherloc (09022015). Collection method: clinical testing. Allele origin: germline.
Comment: This sequence change replaces threonine, which is neutral and polar, with methionine, which is neutral and non-polar, at codon 254 of the KCNMA1 protein (p.Thr254Met). This variant is not present in population databases (gnomAD no frequency). This variant has not been reported in the literature in individuals affected with KCNMA1-related conditions. ClinVar contains an entry for this variant (Variation ID: 2043626). Advanced modeling of protein sequence and biophysical properties (such as structural, functional, and spatial information, amino acid conservation, physicochemical variation, residue mobility, and thermodynamic stability) performed at Invitae indicates that this missense variant is expected to disrupt KCNMA1 protein function with a positive predictive value of 80%. In summary, the available evidence is currently insufficient to determine the role of this variant in disease. Therefore, it has been classified as a Variant of Uncertain Significance.

GeneDx
Classification: Uncertain significance. Last evaluated: 2023-11-06. Review status: criteria provided, single submitter. Criteria: GeneDx Variant Classification Process June 2021. Collection method: clinical testing. Allele origin: germline. Affected: yes.
Comment: Not observed at significant frequency in large population cohorts (gnomAD); In silico analysis supports that this missense variant has a deleterious effect on protein structure/function; Has not been previously published as pathogenic or benign to our knowledge

Literature cited by the submitters: PubMed 31152168 (cited by Victorian Clinical Genetics Services, Murdoch Childrens Research Institute).